The following is an entry in ClinVar:

NM_001375524.1(TRRAP):c.9597G>A (p.Leu3199=)

Gene: TRRAP (transformation/transcription domain associated protein; plus strand). Cytogenetic location: 7q22.1.
Variant type: single nucleotide variant.
Coding change: c.9597G>A on transcript NM_001375524.1 (MANE Select); coding-DNA position 9597, G replaced by A.
Protein change: p.Leu3199=; no amino-acid change (leucine 3199 retained).
Molecular consequence: synonymous variant.
Genome position (GRCh38, 1-based): chr7:98,990,460, G>A. VCF-style: chr7-98990460-G-A. GRCh37 (hg19) VCF-style: chr7-98588083-G-A.
Other names: c.9522G>A (NM_003496.3); c.9609G>A, p.Leu3203= (NM_001244580.2); c.9522G>A, p.Leu3174= (NM_003496.4).
Identifiers: ClinVar variation 1948367 (VCV001948367.6), dbSNP rs746727506, ClinGen allele CA4361771.

ClinVar aggregate classification (germline): Benign/Likely benign. Review status: criteria provided, multiple submitters, no conflicts (2 of 4 stars). 2 submissions from 2 submitters: Benign (1); Likely benign (1). Last evaluated 2025-11-05.

Conditions:
TRRAP-related disorder. Also called: TRRAP-related condition.

Allele frequency attached by ClinVar (database versions not stated): gnomAD 0.00007; ExAC 0.00012.
gnomAD v4.1: 32 of 1,612,564 alleles (0.002%); highest among the groups gnomAD compares: East Asian, 0.045%; no homozygotes.

Submissions (2):

Labcorp Genetics (formerly Invitae), Labcorp
Classification: Benign. Last evaluated: 2025-11-05. Review status: criteria provided, single submitter. Criteria: Invitae Variant Classification Sherloc (09022015). Collection method: clinical testing. Allele origin: germline.

PreventionGenetics, part of Exact Sciences
Classification: Likely benign for TRRAP-related condition. Last evaluated: 2025-10-29. Review status: criteria provided, single submitter. Criteria: ACMG Guidelines, 2015. Collection method: clinical testing. Allele origin: germline.
Comment: This variant is classified as likely benign based on ACMG/AMP sequence variant interpretation guidelines (Richards et al. 2015 PMID: 25741868, with internal and published modifications).